The following is an entry in ClinVar:

NM_000465.4(BARD1):c.2143C>G (p.Gln715Glu)

Gene: BARD1 (BRCA1 associated RING domain 1; minus strand). Cytogenetic location: 2q35.
Variant type: single nucleotide variant.
Coding change: c.2143C>G on transcript NM_000465.4 (MANE Select); coding-DNA position 2143, C replaced by G.
Protein change: p.Gln715Glu; replaces glutamine 715 with glutamic acid.
Molecular consequence: missense variant. On other transcripts: non-coding transcript variant (3).
Genome position (GRCh38, 1-based): chr2:214,728,867, G>C on the plus strand (C>G on the coding strand, the complement: BARD1 is on the minus strand). VCF-style: chr2-214728867-G-C. GRCh37 (hg19) VCF-style: chr2-215593591-G-C.
Other names: c.2086C>G, p.Gln696Glu (NM_001282543.2); c.790C>G, p.Gln264Glu (NM_001282545.2); c.733C>G, p.Gln245Glu (NM_001282548.2); c.604C>G, p.Gln202Glu (NM_001282549.2); short protein forms Q715E, Q245E, Q202E, Q696E, Q264E.
Identifiers: ClinVar variation 1360984 (VCV001360984.7), dbSNP rs1553612164, ClinGen allele CA350450497.

ClinVar aggregate classification (germline): Uncertain significance (1 of 4 stars; one submission).

Conditions:
Familial cancer of breast. Also called: Hereditary breast cancer; BREAST CANCER, FAMILIAL; hereditary breast carcinoma. Identifiers: Orphanet 227535, MedGen C0346153, MONDO:0016419, OMIM 114480. Disease mechanism: loss of function.

gnomAD v4.1: 1 of 1,614,194 alleles (0.000062%); highest among the groups gnomAD compares: East Asian, 0.0022%; no homozygotes.

Submission:

Labcorp Genetics (formerly Invitae), Labcorp
Classification: Uncertain significance for Familial cancer of breast. Last evaluated: 2021-10-28. Review status: criteria provided, single submitter. Criteria: Invitae Variant Classification Sherloc (09022015). Collection method: clinical testing. Allele origin: germline.
Comment: This variant has not been reported in the literature in individuals affected with BARD1-related conditions. Algorithms developed to predict the effect of missense changes on protein structure and function (SIFT, PolyPhen-2, Align-GVGD) all suggest that this variant is likely to be disruptive. In summary, the available evidence is currently insufficient to determine the role of this variant in disease. Therefore, it has been classified as a Variant of Uncertain Significance. This variant is not present in population databases (gnomAD no frequency). This sequence change replaces glutamine, which is neutral and polar, with glutamic acid, which is acidic and polar, at codon 715 of the BARD1 protein (p.Gln715Glu).